The following is an entry in ClinVar:

NM_015656.2(KIF26A):c.2549G>T (p.Cys850Phe)

Gene: KIF26A (kinesin family member 26A; plus strand). Cytogenetic location: 14q32.33.
Variant type: single nucleotide variant.
Coding change: c.2549G>T on transcript NM_015656.2 (MANE Select); coding-DNA position 2549, G replaced by T.
Protein change: p.Cys850Phe; replaces cysteine 850 with phenylalanine.
Molecular consequence: missense variant.
Genome position (GRCh38, 1-based): chr14:104,175,337, G>T. VCF-style: chr14-104175337-G-T. GRCh37 (hg19) VCF-style: chr14-104641674-G-T.
Other names: short protein forms C850F.
Identifiers: ClinVar variation 3900072 (VCV003900072.1).

ClinVar aggregate classification (germline): Uncertain significance (1 of 4 stars; one submission).

gnomAD v4.1: 115 of 1,603,308 alleles (0.0072%); highest among the groups gnomAD compares: East Asian, 0.2%; no homozygotes.

Submission:

GeneDx
Classification: Uncertain significance. Last evaluated: 2024-11-25. Review status: criteria provided, single submitter. Criteria: GeneDx Variant Classification Process June 2021. Collection method: clinical testing. Allele origin: germline. Affected: yes.
Comment: In silico analysis supports that this missense variant has a deleterious effect on protein structure/function; Has not been previously published as pathogenic or benign to our knowledge